The following is an entry in ClinVar:

ClinVar aggregate classification (germline): Likely pathogenic (1 of 4 stars; one submission).

Conditions:
Primary ciliary dyskinesia. Also called: Ciliary dyskinesia. Identifiers: Orphanet 244, MedGen C0008780, MONDO:0016575, HP:0012265.

gnomAD v4.1: 8 of 1,613,902 alleles (0.0005%); highest among the groups gnomAD compares: Middle Eastern, 0.016%; no homozygotes.

Submission:

Natera, Inc.
Classification: Likely pathogenic for Primary ciliary dyskinesia. Last evaluated: 2024-12-23. Review status: criteria provided, single submitter. Criteria: Natera Variant Classification Schema (03/2026). Collection method: clinical testing. Allele origin: germline.
Comment: The c.5882+1G>T variant in DNAH5 is a canonical splice donor site variant predicted to affect pre-mRNA splicing, which may result in an abnormal transcript and altered protein product. This variant is expected to result in nonsense mediated decay, truncation, or a dysfunctional protein product. This variant is rare in the general population with a frequency below the threshold expected for the associated phenotype(s). Given the available evidence, this variant is classified as Likely Pathogenic.

NM_001369.3(DNAH5):c.5882+1G>T

Gene: DNAH5 (dynein axonemal heavy chain 5; minus strand). Cytogenetic location: 5p15.2.
Variant type: single nucleotide variant.
Coding change: c.5882+1G>T on transcript NM_001369.3 (MANE Select); the canonical splice donor site of the intron after coding-DNA position 5882, G replaced by T.
Molecular consequence: splice donor variant.
Genome position (GRCh38, 1-based): chr5:13,839,355, C>A on the plus strand (G>T on the coding strand, the complement: DNAH5 is on the minus strand). VCF-style: chr5-13839355-C-A. GRCh37 (hg19) VCF-style: chr5-13839464-C-A.
Identifiers: ClinVar variation 4814901 (VCV004814901.1).